The following is an entry in ClinVar:

NM_007294.4(BRCA1):c.4167T>G (p.Ser1389Arg)

Gene: BRCA1 (BRCA1 DNA repair associated; minus strand). Cytogenetic location: 17q21.31.
Variant type: single nucleotide variant.
Coding change: c.4167T>G on transcript NM_007294.4 (MANE Select); coding-DNA position 4167, T replaced by G.
Protein change: p.Ser1389Arg; replaces serine 1389 with arginine.
Molecular consequence: missense variant.
Genome position (GRCh38, 1-based): chr17:43,090,962, A>C on the plus strand (T>G on the coding strand, the complement: BRCA1 is on the minus strand). VCF-style: chr17-43090962-A-C. GRCh37 (hg19) VCF-style: chr17-41242979-A-C.
Other names: c.4026T>G, p.Ser1342Arg (NM_001407852.1, NM_007297.4, NM_001407692.1 and 29 more transcripts); c.3954T>G, p.Ser1318Arg (NM_001407853.1, NM_001407571.1, NM_001407894.1 and 9 more transcripts); c.858T>G, p.Ser286Arg (NM_007298.4, NM_007299.4, NM_001407970.1 and 17 more transcripts); c.4167T>G, p.Ser1389Arg (NM_007300.4, NM_001407854.1, NM_001407858.1 and 30 more transcripts); c.4164T>G, p.Ser1388Arg (NM_001407861.1, NM_001407860.1, NM_001407587.1 and 22 more transcripts); c.4158T>G, p.Ser1386Arg (NM_001407646.1, NM_001407647.1); c.4044T>G, p.Ser1348Arg (NM_001407648.1, NM_001407664.1, NM_001407665.1 and 19 more transcripts); c.4041T>G, p.Ser1347Arg (NM_001407649.1, NM_001407670.1, NM_001407671.1 and 11 more transcripts); and 41 more; short protein forms S1321R, S1347R, S1363R, S159R, S174R, S205R, S244R, S259R.
Identifiers: ClinVar variation 3481860 (VCV003481860.1).

ClinVar aggregate classification (germline): Uncertain significance (1 of 4 stars; one submission).

Conditions:
Hereditary cancer-predisposing syndrome. Also called: Tumor predisposition; Neoplastic Syndromes, Hereditary; Hereditary Cancer Syndrome; Hereditary neoplastic syndrome. Identifiers: Orphanet 140162, MedGen C0027672, MeSH D009386, MONDO:0015356.

Submission:

Ambry Genetics
Classification: Uncertain significance for Hereditary cancer-predisposing syndrome. Last evaluated: 2024-09-10. Review status: criteria provided, single submitter. Criteria: Ambry Variant Classification Scheme 2023. Collection method: clinical testing. Allele origin: germline.
Comment: The p.S1389R variant (also known as c.4167T>G), located in coding exon 10 of the BRCA1 gene, results from a T to G substitution at nucleotide position 4167. The serine at codon 1389 is replaced by arginine, an amino acid with dissimilar properties. This amino acid position is conserved. In addition, the in silico prediction for this alteration is inconclusive. Based on the available evidence, the clinical significance of this variant remains unclear.